The following is an entry in ClinVar:

NM_001276270.2(MBD4):c.85G>T (p.Asp29Tyr)

Gene: MBD4 (methyl-CpG binding domain 4, DNA glycosylase; minus strand). Cytogenetic location: 3q21.3.
Variant type: single nucleotide variant.
Coding change: c.85G>T on transcript NM_001276270.2 (MANE Select); coding-DNA position 85, G replaced by T.
Protein change: p.Asp29Tyr; replaces aspartic acid 29 with tyrosine.
Molecular consequence: missense variant.
Genome position (GRCh38, 1-based): chr3:129,439,749, C>A on the plus strand (G>T on the coding strand, the complement: MBD4 is on the minus strand). VCF-style: chr3-129439749-C-A. GRCh37 (hg19) VCF-style: chr3-129158592-C-A.
Other names: c.85G>T, p.Asp29Tyr (NM_001276271.2, NM_001276272.2, NM_001276273.2 and 1 more transcripts); short protein forms D29Y.
Identifiers: ClinVar variation 3677079 (VCV003677079.2).

ClinVar aggregate classification (germline): Uncertain significance. Review status: criteria provided, multiple submitters, no conflicts (2 of 4 stars). 2 submissions from 2 submitters: Uncertain significance (2). Last evaluated 2025-02-25.

Conditions:
Inborn genetic diseases. Identifiers: MedGen C0950123, MeSH D030342.

gnomAD v4.1: 1 of 1,596,872 alleles (0.000063%); highest among the groups gnomAD compares: African/African-American, 0.0013%; no homozygotes.

Submissions (2):

Ambry Genetics
Classification: Uncertain significance for Inborn genetic diseases. Last evaluated: 2025-02-25. Review status: criteria provided, single submitter. Criteria: Ambry Variant Classification Scheme 2023. Collection method: clinical testing. Allele origin: germline.
Comment: The p.D29Y variant (also known as c.85G>T), located in coding exon 1 of the MBD4 gene, results from a G to T substitution at nucleotide position 85. The aspartic acid at codon 29 is replaced by tyrosine, an amino acid with highly dissimilar properties. This amino acid position is conserved. In addition, this alteration is predicted to be tolerated by in silico analysis. Based on the available evidence, the clinical significance of this variant remains unclear.

Labcorp Genetics (formerly Invitae), Labcorp
Classification: Uncertain significance. Last evaluated: 2024-10-20. Review status: criteria provided, single submitter. Criteria: Invitae Variant Classification Sherloc (09022015). Collection method: clinical testing. Allele origin: germline.
Comment: This sequence change replaces aspartic acid, which is acidic and polar, with tyrosine, which is neutral and polar, at codon 29 of the MBD4 protein (p.Asp29Tyr). This variant is not present in population databases (gnomAD no frequency). This variant has not been reported in the literature in individuals affected with MBD4-related conditions. An algorithm developed to predict the effect of missense changes on protein structure and function (PolyPhen-2) suggests that this variant is likely to be disruptive. In summary, the available evidence is currently insufficient to determine the role of this variant in disease. Therefore, it has been classified as a Variant of Uncertain Significance.